The following is an entry in ClinVar:

ClinVar aggregate classification (germline): Uncertain significance. Review status: criteria provided, multiple submitters, no conflicts (2 of 4 stars). 2 submissions from 2 submitters: Uncertain significance (2). Last evaluated 2021-05-27.

Conditions:
X-linked reticulate pigmentary disorder. Also called: Pigmentary disorder, reticulate, with systemic manifestations, X-linked. Identifiers: Orphanet 85453, MedGen C1845050, MONDO:0010523, OMIM 301220.

Allele frequency attached by ClinVar (database versions not stated): gnomAD 0.00001; gnomAD exomes 0.00001; TOPMed 0.00004.

Submissions (2):

Diagnostics Services (NGS), CSIR - Centre For Cellular And Molecular Biology
Classification: Uncertain significance for X-linked reticulate pigmentary disorder. Last evaluated: 2021-05-27. Review status: criteria provided, single submitter. Criteria: ACMG Guidelines, 2015. Collection method: clinical testing. Allele origin: unknown. Inheritance: X-linked inheritance. Affected: yes. Observed: 1 variant allele, 1 heterozygote.
Comment: The c.1175G>A variant is not present in publicly available population databases like 1000 Genomes, Exome Variant Server (EVS), Exome Aggregation Consortium (ExAC) and Genome Aggregation Database (gnomAD). The variant is also not present in Indian Exome Database [Kausthubham et al. Hum Mutat, 2021] and in our in-house exome database. The variant was not earlier reported to ClinVar, Human Genome Mutation Database (HGMD) and/or OMIM databases in any affected individuals. In-silico pathogenicity prediction programs like SIFT, PolyPhen-3, MutationTaster2, CADD etc. predicted this variant to be likely disease causing, however these predictions were not confirmed by any established functional studies. Due to lack of enough evidence the variant has been classified as uncertain significance.

Labcorp Genetics (formerly Invitae), Labcorp
Classification: Uncertain significance. Last evaluated: 2020-11-23. Review status: criteria provided, single submitter. Criteria: Invitae Variant Classification Sherloc (09022015). Collection method: clinical testing. Allele origin: germline.
Comment: In summary, the available evidence is currently insufficient to determine the role of this variant in disease. Therefore, it has been classified as a Variant of Uncertain Significance. Algorithms developed to predict the effect of missense changes on protein structure and function (SIFT, PolyPhen-2, Align-GVGD) all suggest that this variant is likely to be disruptive, but these predictions have not been confirmed by published functional studies and their clinical significance is uncertain. This variant has not been reported in the literature in individuals with POLA1-related conditions. This variant is not present in population databases (ExAC no frequency). This sequence change replaces arginine with histidine at codon 392 of the POLA1 protein (p.Arg392His). The arginine residue is highly conserved and there is a small physicochemical difference between arginine and histidine.

NM_001330360.2(POLA1):c.1193G>A (p.Arg398His)

Gene: POLA1 (DNA polymerase alpha 1, catalytic subunit; plus strand). Cytogenetic location: Xp22.11.
Variant type: single nucleotide variant.
Coding change: c.1193G>A on transcript NM_001330360.2 (MANE Select); coding-DNA position 1193, G replaced by A.
Protein change: p.Arg398His; replaces arginine 398 with histidine.
Molecular consequence: missense variant. On other transcripts: non-coding transcript variant (2).
Genome position (GRCh38, 1-based): chrX:24,723,260, G>A. VCF-style: chrX-24723260-G-A. GRCh37 (hg19) VCF-style: chrX-24741377-G-A.
Other names: c.1193G>A, p.Arg398His (NM_001378303.1); c.1175G>A, p.Arg392His (NM_016937.4); short protein forms R392H, R398H.
Identifiers: ClinVar variation 1173105 (VCV001173105.11), dbSNP rs915033662, ClinGen allele CA326896828.